The following is an entry in ClinVar:

ClinVar aggregate classification (germline): Uncertain significance. Review status: criteria provided, multiple submitters, no conflicts (2 of 4 stars). 2 submissions from 2 submitters: Uncertain significance (2). Last evaluated 2025-12-04.

Conditions:
Inborn genetic diseases. Identifiers: MedGen C0950123, MeSH D030342.
Hereditary spastic paraplegia 48. Also called: Spastic paraplegia 48; SPASTIC PARAPLEGIA 48, AUTOSOMAL RECESSIVE. Identifiers: Orphanet 306511, MedGen C3150901, MONDO:0013342, OMIM 613647.

gnomAD v4.1: 9 of 1,596,224 alleles (0.00056%); highest among the groups gnomAD compares: African/African-American, 0.0013%; no homozygotes.

Submissions (2):

Ambry Genetics
Classification: Uncertain significance for Inborn genetic diseases. Last evaluated: 2025-12-04. Review status: criteria provided, single submitter. Criteria: Ambry Variant Classification Scheme 2023. Collection method: clinical testing. Allele origin: germline.

Labcorp Genetics (formerly Invitae), Labcorp
Classification: Uncertain significance for Hereditary spastic paraplegia 48. Last evaluated: 2025-02-24. Review status: criteria provided, single submitter. Criteria: Invitae Variant Classification Sherloc (09022015). Collection method: clinical testing. Allele origin: germline.
Comment: This sequence change replaces arginine, which is basic and polar, with proline, which is neutral and non-polar, at codon 310 of the AP5Z1 protein (p.Arg310Pro). This variant is not present in population databases (gnomAD no frequency). This variant has not been reported in the literature in individuals affected with AP5Z1-related conditions. ClinVar contains an entry for this variant (Variation ID: 2899154). An algorithm developed to predict the effect of missense changes on protein structure and function (PolyPhen-2) suggests that this variant is likely to be disruptive. In summary, the available evidence is currently insufficient to determine the role of this variant in disease. Therefore, it has been classified as a Variant of Uncertain Significance.

NM_014855.3(AP5Z1):c.929G>C (p.Arg310Pro)

Gene: AP5Z1 (adaptor related protein complex 5 subunit zeta 1; plus strand). Cytogenetic location: 7p22.1.
Variant type: single nucleotide variant.
Coding change: c.929G>C on transcript NM_014855.3 (MANE Select); coding-DNA position 929, G replaced by C.
Protein change: p.Arg310Pro; replaces arginine 310 with proline.
Molecular consequence: missense variant. On other transcripts: non-coding transcript variant (1).
Genome position (GRCh38, 1-based): chr7:4,785,046, G>C. VCF-style: chr7-4785046-G-C. GRCh37 (hg19) VCF-style: chr7-4824677-G-C.
Other names: c.929G>C (NM_014855.2); c.461G>C, p.Arg154Pro (NM_001364858.1); short protein forms R154P, R310P.
Identifiers: ClinVar variation 2899154 (VCV002899154.4), dbSNP rs745977162, ClinGen allele CA4137455.
Genomic context (GRCh38, chr7:4,785,046, plus strand): 5'-GGGAGCGGCTTCGGGAGGTGGCCTTCGAGTACTGCCAGCGCCTCATTGAGCAAAGTAACC[G>C]ACGTGAGTCCCCCACCCAGGGCACTGGCCTCCCCAGGGCTCGACGCACCTGCTCTGCAAG-3'
Protein context (NP_055670.1, residues 300-320): YCQRLIEQSN[Arg310Pro]RALRKGDSDL